The following is an entry in ClinVar:

NM_005535.3(IL12RB1):c.545A>G (p.Lys182Arg)

Gene: IL12RB1 (interleukin 12 receptor subunit beta 1; minus strand). Cytogenetic location: 19p13.11.
Variant type: single nucleotide variant.
Coding change: c.545A>G on transcript NM_005535.3 (MANE Select); coding-DNA position 545, A replaced by G.
Protein change: p.Lys182Arg; replaces lysine 182 with arginine.
Molecular consequence: missense variant.
Genome position (GRCh38, 1-based): chr19:18,077,520, T>C on the plus strand (A>G on the coding strand, the complement: IL12RB1 is on the minus strand). VCF-style: chr19-18077520-T-C. GRCh37 (hg19) VCF-style: chr19-18188330-T-C.
Other names: c.545A>G, p.Lys182Arg (NM_001290023.2, NM_153701.3); c.665A>G, p.Lys222Arg (NM_001290024.2); short protein forms K182R, K222R.
Identifiers: ClinVar variation 578949 (VCV000578949.6), dbSNP rs941112862, ClinGen allele CA306134137.

ClinVar aggregate classification (germline): Uncertain significance (1 of 4 stars; one submission).

Conditions:
Mendelian susceptibility to mycobacterial diseases due to complete IL12RB1 deficiency. Also called: IL12RB1 DEFICIENCY; Immunodeficiency 30. Identifiers: Orphanet 319552, MedGen C4013949, MONDO:0013955, OMIM 614891.

Allele frequency attached by ClinVar (database versions not stated): gnomAD exomes 0.00001; gnomAD 0.00005; TOPMed 0.00008.
gnomAD v4.1: 30 of 1,609,638 alleles (0.0019%); highest among the groups gnomAD compares: Admixed American, 0.018%; no homozygotes.

Submission:

Labcorp Genetics (formerly Invitae), Labcorp
Classification: Uncertain significance for Mendelian susceptibility to mycobacterial diseases due to complete IL12RB1 deficiency. Last evaluated: 2022-10-03. Review status: criteria provided, single submitter. Criteria: Invitae Variant Classification Sherloc (09022015). Collection method: clinical testing. Allele origin: germline.
Comment: This sequence change replaces lysine, which is basic and polar, with arginine, which is basic and polar, at codon 182 of the IL12RB1 protein (p.Lys182Arg). This variant is present in population databases (no rsID available, gnomAD 0.0009%). This variant has not been reported in the literature in individuals affected with IL12RB1-related conditions. ClinVar contains an entry for this variant (Variation ID: 578949). Advanced modeling of protein sequence and biophysical properties (such as structural, functional, and spatial information, amino acid conservation, physicochemical variation, residue mobility, and thermodynamic stability) performed at Invitae indicates that this missense variant is not expected to disrupt IL12RB1 protein function. Algorithms developed to predict the effect of sequence changes on RNA splicing suggest that this variant may create or strengthen a splice site. In summary, the available evidence is currently insufficient to determine the role of this variant in disease. Therefore, it has been classified as a Variant of Uncertain Significance.